The following is an entry in ClinVar:

NM_001943.5(DSG2):c.1698T>A (p.Ser566Arg)

Gene: DSG2 (desmoglein 2; plus strand). Cytogenetic location: 18q12.1.
Variant type: single nucleotide variant.
Coding change: c.1698T>A on transcript NM_001943.5 (MANE Select); coding-DNA position 1698, T replaced by A.
Protein change: p.Ser566Arg; replaces serine 566 with arginine.
Molecular consequence: missense variant.
Genome position (GRCh38, 1-based): chr18:31,538,797, T>A. VCF-style: chr18-31538797-T-A. GRCh37 (hg19) VCF-style: chr18-29118760-T-A.
Other names: c.1698T>A (NM_001943.4); short protein forms S566R.
Identifiers: ClinVar variation 1778277 (VCV001778277.7), dbSNP rs1487415889, ClinGen allele CA402137081.

ClinVar aggregate classification (germline): Uncertain significance. Review status: criteria provided, multiple submitters, no conflicts (2 of 4 stars). 4 submissions from 4 submitters: Uncertain significance (4). Last evaluated 2025-07-01.

Conditions:
DSG2-related disorder. Also called: DSG2-related condition.
Cardiovascular phenotype. Identifiers: MedGen CN230736.
Cardiomyopathy (CMYO). Also called: Cardiomyopathies. Identifiers: Orphanet 167848, MedGen C0878544, MONDO:0004994, HP:0001638. Inheritance: Various modes of inheritance.
Arrhythmogenic right ventricular dysplasia 10. Also called: Arrhythmogenic Right Ventricular Dysplasia/Cardiomyopathy10; ARRHYTHMOGENIC RIGHT VENTRICULAR DYSPLASIA, FAMILIAL, 10; Arrhythmogenic right ventricular dysplasia/cardiomyopathy, type 10. Identifiers: MedGen C1857777, MONDO:0012434, OMIM 610193.

Allele frequency attached by ClinVar (database versions not stated): gnomAD 0.00001; TOPMed 0.00002.
gnomAD v4.1: 1 of 1,614,090 alleles (0.000062%); highest among the groups gnomAD compares: African/African-American, 0.0013%; no homozygotes.

Submissions (4):

Color Diagnostics, LLC DBA Color Health
Classification: Uncertain significance for Cardiomyopathy. Last evaluated: 2025-07-01. Review status: criteria provided, single submitter. Criteria: ACMG Guidelines, 2015. Collection method: clinical testing. Allele origin: germline.
Comment: This missense variant replaces serine with arginine at codon 566 of the DSG2 protein. Computational prediction suggests that this variant may not impact protein structure and function. To our knowledge, functional studies have not been reported for this variant. This variant has not been reported in individuals affected with DSG2-related disorders in the literature. This variant has not been identified in the general population by the Genome Aggregation Database (gnomAD). The available evidence is insufficient to determine the role of this variant in disease conclusively. Therefore, this variant is classified as a Variant of Uncertain Significance.

Labcorp Genetics (formerly Invitae), Labcorp
Classification: Uncertain significance for Arrhythmogenic right ventricular dysplasia 10. Last evaluated: 2025-03-26. Review status: criteria provided, single submitter. Criteria: Invitae Variant Classification Sherloc (09022015). Collection method: clinical testing. Allele origin: germline.
Comment: This sequence change replaces serine, which is neutral and polar, with arginine, which is basic and polar, at codon 566 of the DSG2 protein (p.Ser566Arg). This variant is not present in population databases (gnomAD no frequency). This variant has not been reported in the literature in individuals affected with DSG2-related conditions. ClinVar contains an entry for this variant (Variation ID: 1778277). Invitae Evidence Modeling of protein sequence and biophysical properties (such as structural, functional, and spatial information, amino acid conservation, physicochemical variation, residue mobility, and thermodynamic stability) has been performed for this missense variant. However, the output from this modeling did not meet the statistical confidence thresholds required to predict the impact of this variant on DSG2 protein function. In summary, the available evidence is currently insufficient to determine the role of this variant in disease. Therefore, it has been classified as a Variant of Uncertain Significance.

PreventionGenetics, part of Exact Sciences
Classification: Uncertain significance for DSG2-related condition. Last evaluated: 2023-06-19. Review status: criteria provided, single submitter. Criteria: ACMG Guidelines, 2015. Collection method: clinical testing. Allele origin: germline.
Comment: The DSG2 c.1698T>A variant is predicted to result in the amino acid substitution p.Ser566Arg. To our knowledge, this variant has not been reported in the literature or in a large population database, indicating this variant is rare. At this time, the clinical significance of this variant is uncertain due to the absence of conclusive functional and genetic evidence.

Ambry Genetics
Classification: Uncertain significance for Cardiovascular phenotype. Last evaluated: 2020-08-19. Review status: criteria provided, single submitter. Criteria: Ambry Variant Classification Scheme 2023. Collection method: clinical testing. Allele origin: germline.
Comment: The p.S566R variant (also known as c.1698T>A), located in coding exon 12 of the DSG2 gene, results from a T to A substitution at nucleotide position 1698. The serine at codon 566 is replaced by arginine, an amino acid with dissimilar properties. This amino acid position is not well conserved in available vertebrate species. In addition, the in silico prediction for this alteration is inconclusive. Since supporting evidence is limited at this time, the clinical significance of this alteration remains unclear.